The following is an entry in ClinVar:

NM_001040142.2(SCN2A):c.5743G>A (p.Ala1915Thr)

Gene: SCN2A (sodium voltage-gated channel alpha subunit 2; plus strand). Cytogenetic location: 2q24.3.
Variant type: single nucleotide variant.
Coding change: c.5743G>A on transcript NM_001040142.2 (MANE Select); coding-DNA position 5743, G replaced by A.
Protein change: p.Ala1915Thr; replaces alanine 1915 with threonine.
Molecular consequence: missense variant.
Genome position (GRCh38, 1-based): chr2:165,389,549, G>A. VCF-style: chr2-165389549-G-A. GRCh37 (hg19) VCF-style: chr2-166246059-G-A.
Other names: c.5743G>A, p.Ala1915Thr (NM_001040143.2, NM_001371246.1, NM_001371247.1 and 1 more transcripts); c.5743G>A (NM_021007.2); short protein forms A1915T.
Identifiers: ClinVar variation 2944410 (VCV002944410.4), dbSNP rs2468160379, ClinGen allele CA349040087.

ClinVar aggregate classification (germline): Uncertain significance. Review status: criteria provided, multiple submitters, no conflicts (2 of 4 stars). 2 submissions from 2 submitters: Uncertain significance (2). Last evaluated 2026-01-14.

Conditions:
Developmental and epileptic encephalopathy, 11 (DEE11). Also called: Early infantile epileptic encephalopathy 11. Identifiers: Orphanet 1934, MedGen C3150987, MONDO:0013388, OMIM 613721.
Seizures, benign familial infantile, 3 (BFIS3). Also called: CONVULSIONS, BENIGN FAMILIAL INFANTILE, 3; Familial neonatal seizures. Identifiers: Orphanet 140927, Orphanet 306, MedGen C1843140, MONDO:0011904, OMIM 607745.
Inborn genetic diseases. Identifiers: MedGen C0950123, MeSH D030342.

Submissions (2):

Ambry Genetics
Classification: Uncertain significance for Inborn genetic diseases. Last evaluated: 2026-01-14. Review status: criteria provided, single submitter. Criteria: Ambry Variant Classification Scheme 2023. Collection method: clinical testing. Allele origin: germline.

Labcorp Genetics (formerly Invitae), Labcorp
Classification: Uncertain significance for Seizures, benign familial infantile, 3; Developmental and epileptic encephalopathy, 11. Last evaluated: 2023-06-02. Review status: criteria provided, single submitter. Criteria: Invitae Variant Classification Sherloc (09022015). Collection method: clinical testing. Allele origin: germline.
Comment: In summary, the available evidence is currently insufficient to determine the role of this variant in disease. Therefore, it has been classified as a Variant of Uncertain Significance. Advanced modeling of protein sequence and biophysical properties (such as structural, functional, and spatial information, amino acid conservation, physicochemical variation, residue mobility, and thermodynamic stability) has been performed at Invitae for this missense variant, however the output from this modeling did not meet the statistical confidence thresholds required to predict the impact of this variant on SCN2A protein function. This variant has not been reported in the literature in individuals affected with SCN2A-related conditions. This variant is not present in population databases (gnomAD no frequency). This sequence change replaces alanine, which is neutral and non-polar, with threonine, which is neutral and polar, at codon 1915 of the SCN2A protein (p.Ala1915Thr).